The following is an entry in ClinVar:

NM_024306.5(FA2H):c.760T>G (p.Phe254Val)

Gene: FA2H (fatty acid 2-hydroxylase; minus strand). Cytogenetic location: 16q23.1.
Variant type: single nucleotide variant.
Coding change: c.760T>G on transcript NM_024306.5 (MANE Select); coding-DNA position 760, T replaced by G.
Protein change: p.Phe254Val; replaces phenylalanine 254 with valine.
Molecular consequence: missense variant.
Genome position (GRCh38, 1-based): chr16:74,719,014, A>C on the plus strand (T>G on the coding strand, the complement: FA2H is on the minus strand). VCF-style: chr16-74719014-A-C. GRCh37 (hg19) VCF-style: chr16-74752912-A-C.
Other names: short protein forms F254V.
Identifiers: ClinVar variation 1697130 (VCV001697130.3), dbSNP rs2144606212, ClinGen allele CA396769407.

ClinVar aggregate classification (germline): Uncertain significance (1 of 4 stars; one submission).

Submission:

GeneDx
Classification: Uncertain significance. Last evaluated: 2025-11-13. Review status: criteria provided, single submitter. Criteria: GeneDx Variant Classification Process June 2021. Collection method: clinical testing. Allele origin: germline. Affected: yes.
Comment: Not observed at significant frequency in large population cohorts (gnomAD); In silico analysis supports that this missense variant has a deleterious effect on protein structure/function; Has not been previously published as pathogenic or benign to our knowledge; This variant is associated with the following publications: (PMID: 24359114)